The following is an entry in ClinVar:

NM_001277062.2(MFF):c.748A>G (p.Ile250Val)

Gene: MFF (mitochondrial fission factor; plus strand). Cytogenetic location: 2q36.3.
Variant type: single nucleotide variant.
Coding change: c.748A>G on transcript NM_001277062.2 (MANE Select); coding-DNA position 748, A replaced by G.
Protein change: p.Ile250Val; replaces isoleucine 250 with valine.
Molecular consequence: missense variant. On other transcripts: non-coding transcript variant (1).
Genome position (GRCh38, 1-based): chr2:227,356,989, A>G. VCF-style: chr2-227356989-A-G. GRCh37 (hg19) VCF-style: chr2-228221705-A-G.
Other names: c.901A>G, p.Ile301Val (NM_001277061.2, NM_020194.5); c.604A>G, p.Ile202Val (NM_001277063.2); c.589A>G, p.Ile197Val (NM_001277064.2); c.529A>G, p.Ile177Val (NM_001277065.2, NM_001277066.2); c.538A>G, p.Ile180Val (NM_001277067.1); c.631A>G, p.Ile211Val (NM_001277068.1); short protein forms I177V, I180V, I197V, I202V, I211V, I250V, I301V.
Identifiers: ClinVar variation 3774118 (VCV003774118.1).

ClinVar aggregate classification (germline): Uncertain significance (1 of 4 stars; one submission).

gnomAD v4.1: 1 of 1,609,568 alleles (0.000062%); highest among the groups gnomAD compares: African/African-American, 0.0013%; no homozygotes.

Submission:

GeneDx
Classification: Uncertain significance. Last evaluated: 2024-09-23. Review status: criteria provided, single submitter. Criteria: GeneDx Variant Classification Process June 2021. Collection method: clinical testing. Allele origin: germline. Affected: yes.
Comment: Not observed at significant frequency in large population cohorts (gnomAD); In silico analysis indicates that this missense variant does not alter protein structure/function; Has not been previously published as pathogenic or benign to our knowledge; In silico analysis suggests this variant may impact gene splicing. In the absence of RNA/functional studies, the actual effect of this sequence change is unknown